The following is an entry in ClinVar:

ClinVar aggregate classification (germline): Uncertain significance (1 of 4 stars; one submission).

gnomAD v4.1: 3 of 1,500,264 alleles (0.0002%); highest among the groups gnomAD compares: Non-Finnish European, 0.00027%; no homozygotes.

Submission:

Labcorp Genetics (formerly Invitae), Labcorp
Classification: Uncertain significance. Last evaluated: 2025-02-13. Review status: criteria provided, single submitter. Criteria: Invitae Variant Classification Sherloc (09022015). Collection method: clinical testing. Allele origin: germline.
Comment: This sequence change replaces tryptophan, which is neutral and slightly polar, with cysteine, which is neutral and slightly polar, at codon 197 of the LEMD3 protein (p.Trp197Cys). This variant is not present in population databases (gnomAD no frequency). This variant has not been reported in the literature in individuals affected with LEMD3-related conditions. Invitae Evidence Modeling of protein sequence and biophysical properties (such as structural, functional, and spatial information, amino acid conservation, physicochemical variation, residue mobility, and thermodynamic stability) indicates that this missense variant is expected to disrupt LEMD3 protein function with a positive predictive value of 80%. In summary, the available evidence is currently insufficient to determine the role of this variant in disease. Therefore, it has been classified as a Variant of Uncertain Significance.

NM_014319.5(LEMD3):c.591G>T (p.Trp197Cys)

Gene: LEMD3 (LEM domain containing 3; plus strand). Cytogenetic location: 12q14.3.
Variant type: single nucleotide variant.
Coding change: c.591G>T on transcript NM_014319.5 (MANE Select); coding-DNA position 591, G replaced by T.
Protein change: p.Trp197Cys; replaces tryptophan 197 with cysteine.
Molecular consequence: missense variant.
Genome position (GRCh38, 1-based): chr12:65,170,187, G>T. VCF-style: chr12-65170187-G-T. GRCh37 (hg19) VCF-style: chr12-65563967-G-T.
Other names: c.591G>T, p.Trp197Cys (NM_001167614.2); short protein forms W197C.
Identifiers: ClinVar variation 4702703 (VCV004702703.1).